The following is an entry in ClinVar:

NM_000059.4(BRCA2):c.5684A>C (p.Glu1895Ala)

Gene: BRCA2 (BRCA2 DNA repair associated; plus strand). Cytogenetic location: 13q13.1.
Variant type: single nucleotide variant.
Coding change: c.5684A>C on transcript NM_000059.4 (MANE Select); coding-DNA position 5684, A replaced by C.
Protein change: p.Glu1895Ala; replaces glutamic acid 1895 with alanine.
Molecular consequence: missense variant.
Genome position (GRCh38, 1-based): chr13:32,340,039, A>C. VCF-style: chr13-32340039-A-C. GRCh37 (hg19) VCF-style: chr13-32914176-A-C.
Other names: c.5684A>C, p.Glu1895Ala (NM_001406719.1, NM_001406720.1); short protein forms E1895A.
Identifiers: ClinVar variation 1749045 (VCV001749045.4), dbSNP rs2137519902, ClinGen allele CA387786626.

ClinVar aggregate classification (germline): Conflicting classifications of pathogenicity. Review status: criteria provided, conflicting classifications (1 of 4 stars). 2 submissions from 2 submitters: Uncertain significance (1); Likely benign (1). Last evaluated 2023-03-23.

Conditions:
Hereditary cancer-predisposing syndrome. Also called: Hereditary Cancer Syndrome; Hereditary neoplastic syndrome; Neoplastic Syndromes, Hereditary; Tumor predisposition. Identifiers: Orphanet 140162, MedGen C0027672, MeSH D009386, MONDO:0015356.

Submissions (2):

University of Washington Department of Laboratory Medicine, University of Washington
Classification: Likely benign for Hereditary cancer-predisposing syndrome. Last evaluated: 2023-03-23. Review status: criteria provided, single submitter. Criteria: Dines et al. (Genet Med. 2020). Collection method: curation. Allele origin: germline.
Comment: Missense variant in a coldspot region where missense variants are very unlikely to be pathogenic (PMID:31911673).

BRCA2 exon 11 coldspot. Reclassification based on statistical prior probability.

Ambry Genetics
Classification: Uncertain significance for Hereditary cancer-predisposing syndrome. Last evaluated: 2021-03-22. Review status: criteria provided, single submitter. Criteria: Ambry Variant Classification Scheme 2023. Collection method: clinical testing. Allele origin: germline.
Comment: The p.E1895A variant (also known as c.5684A>C), located in coding exon 10 of the BRCA2 gene, results from an A to C substitution at nucleotide position 5684. The glutamic acid at codon 1895 is replaced by alanine, an amino acid with dissimilar properties. This amino acid position is poorly conserved in available vertebrate species. In addition, this alteration is predicted to be tolerated by in silico analysis. Since supporting evidence is limited at this time, the clinical significance of this alteration remains unclear.